The following is an entry in ClinVar:

ClinVar aggregate classification (germline): Uncertain significance (1 of 4 stars; one submission).

Submission:

CeGaT Center for Human Genetics Tuebingen
Classification: Uncertain significance. Last evaluated: 2025-11-01. Review status: criteria provided, single submitter. Criteria: CeGaT Center For Human Genetics Tuebingen Variant Classification Criteria Version 2. Collection method: clinical testing. Allele origin: germline. Affected: yes. Observed: 1 variant allele.
Comment: CREBBP: PM2, PP2, PP3

NM_004380.3(CREBBP):c.802G>A (p.Gly268Arg)

Gene: CREBBP (CREB binding lysine acetyltransferase; minus strand). Cytogenetic location: 16p13.3.
Variant type: single nucleotide variant.
Coding change: c.802G>A on transcript NM_004380.3 (MANE Select); coding-DNA position 802, G replaced by A.
Protein change: p.Gly268Arg; replaces glycine 268 with arginine.
Molecular consequence: missense variant.
Genome position (GRCh38, 1-based): chr16:3,810,776, C>T on the plus strand (G>A on the coding strand, the complement: CREBBP is on the minus strand). VCF-style: chr16-3810776-C-T. GRCh37 (hg19) VCF-style: chr16-3860777-C-T.
Other names: c.802G>A, p.Gly268Arg (NM_001079846.1); short protein forms G268R.
Identifiers: ClinVar variation 4535341 (VCV004535341.6).